The following is an entry in ClinVar:

NM_024422.6(DSC2):c.1438A>G (p.Met480Val)

Gene: DSC2 (desmocollin 2; minus strand). Cytogenetic location: 18q12.1.
Variant type: single nucleotide variant.
Coding change: c.1438A>G on transcript NM_024422.6 (MANE Select); coding-DNA position 1438, A replaced by G.
Protein change: p.Met480Val; replaces methionine 480 with valine.
Molecular consequence: missense variant.
Genome position (GRCh38, 1-based): chr18:31,080,178, T>C on the plus strand (A>G on the coding strand, the complement: DSC2 is on the minus strand). VCF-style: chr18-31080178-T-C. GRCh37 (hg19) VCF-style: chr18-28660144-T-C.
Other names: p.Met480Val; c.1438A>G, p.Met480Val (NM_004949.5); short protein forms M480V.
Identifiers: ClinVar variation 921174 (VCV000921174.14), dbSNP rs370616107, ClinGen allele CA031410.

ClinVar aggregate classification (germline): Conflicting classifications of pathogenicity. Review status: criteria provided, conflicting classifications (1 of 4 stars). 5 submissions from 5 submitters: Uncertain significance (4); Likely benign (1). Last evaluated 2025-12-03.

Conditions:
Cardiovascular phenotype. Identifiers: MedGen CN230736.
Arrhythmogenic right ventricular dysplasia 11. Also called: ARRHYTHMOGENIC RIGHT VENTRICULAR DYSPLASIA, FAMILIAL, 11; Arrhythmogenic Right Ventricular Dysplasia/Cardiomyopathy11; Arrhythmogenic right ventricular dysplasia 11 with mild palmoplantar keratoderma and woolly hair. Identifiers: MedGen C1864850, MONDO:0012506, OMIM 610476.
Familial isolated arrhythmogenic right ventricular dysplasia. Identifiers: Orphanet 217656, MedGen C4274968, MONDO:0016342.
Cardiomyopathy (CMYO). Also called: Cardiomyopathies. Identifiers: Orphanet 167848, MedGen C0878544, MONDO:0004994, HP:0001638. Inheritance: Various modes of inheritance.

Allele frequency attached by ClinVar (database versions not stated): gnomAD exomes 0.00001 and 0.00002; ESP Exome Variant Server 0.00008; ExAC 0.00002; TOPMed 0.00002.
gnomAD v4.1: 15 of 1,614,148 alleles (0.00093%); highest among the groups gnomAD compares: Middle Eastern, 0.016%; no homozygotes.

Submissions (5):

Labcorp Genetics (formerly Invitae), Labcorp
Classification: Uncertain significance for Arrhythmogenic right ventricular dysplasia 11. Last evaluated: 2025-12-03. Review status: criteria provided, single submitter. Criteria: Invitae Variant Classification Sherloc (09022015). Collection method: clinical testing. Allele origin: germline.
Comment: This sequence change replaces methionine, which is neutral and non-polar, with valine, which is neutral and non-polar, at codon 480 of the DSC2 protein (p.Met480Val). This variant is present in population databases (rs370616107, gnomAD 0.004%). This missense change has been observed in individual(s) with sudden unexplained death (PMID: 35276540). ClinVar contains an entry for this variant (Variation ID: 921174). Invitae Evidence Modeling of protein sequence and biophysical properties (such as structural, functional, and spatial information, amino acid conservation, physicochemical variation, residue mobility, and thermodynamic stability) indicates that this missense variant is not expected to disrupt DSC2 protein function with a negative predictive value of 80%. In summary, the available evidence is currently insufficient to determine the role of this variant in disease. Therefore, it has been classified as a Variant of Uncertain Significance.

Mayo Clinic Laboratories, Mayo Clinic
Classification: Uncertain significance. Last evaluated: 2025-10-08. Review status: criteria provided, single submitter. Criteria: ACMG Guidelines, 2015. Collection method: clinical testing. Allele origin: germline. Observed: 1 variant allele.
Comment: BP4_moderate, PM2_supporting

All of Us Research Program, National Institutes of Health
Classification: Uncertain significance for Familial isolated arrhythmogenic right ventricular dysplasia. Last evaluated: 2024-03-24. Review status: criteria provided, single submitter. Criteria: ACMG Guidelines, 2015. Collection method: clinical testing. Allele origin: germline. Inheritance: Autosomal dominant inheritance. Observed: 4 variant alleles, 4 heterozygotes.
Comment: This missense variant replaces methionine with valine at codon 480 of the DSC2 protein. Computational prediction suggests that this variant may not impact protein structure and function (internally defined REVEL score threshold <= 0.5, PMID: 27666373). To our knowledge, functional studies have not been reported for this variant. This variant has not been reported in individuals affected with cardiovascular disorders in the literature. This variant has been identified in 5/251252 chromosomes in the general population by the Genome Aggregation Database (gnomAD). The available evidence is insufficient to determine the role of this variant in disease conclusively. Therefore, this variant is classified as a Variant of Uncertain Significance.

This study involves interpretation of variants in research participants for the purpose of population health screening. Participant phenotype was not available at the time of variant classification. Additional details can be found in publication PMID: 35346344, PMCID: PMC8962531

Color Diagnostics, LLC DBA Color Health
Classification: Uncertain significance for Cardiomyopathy. Last evaluated: 2024-02-16. Review status: criteria provided, single submitter. Criteria: ACMG Guidelines, 2015. Collection method: clinical testing. Allele origin: germline.
Comment: This missense variant replaces methionine with valine at codon 480 of the DSC2 protein. Computational prediction suggests that this variant may not impact protein structure and function (internally defined REVEL score threshold <= 0.5, PMID: 27666373). To our knowledge, functional studies have not been reported for this variant. This variant has been reported in an individual affected with sudden unexplained death (PMID: 35276540). This variant has been identified in 5/251252 chromosomes in the general population by the Genome Aggregation Database (gnomAD). The available evidence is insufficient to determine the role of this variant in disease conclusively. Therefore, this variant is classified as a Variant of Uncertain Significance.

Ambry Genetics
Classification: Likely benign for Cardiovascular phenotype. Last evaluated: 2022-08-08. Review status: criteria provided, single submitter. Criteria: Ambry Variant Classification Scheme 2023. Collection method: clinical testing. Allele origin: germline.

Literature cited by the submitters: PubMed 35276540 (cited by 4 submitters).